The following is an entry in ClinVar:

ClinVar aggregate classification (germline): Uncertain significance (1 of 4 stars; one submission).

Allele frequency attached by ClinVar (database versions not stated): gnomAD exomes 0.00001.
gnomAD v4.1: 7 of 1,612,718 alleles (0.00043%); highest among the groups gnomAD compares: Non-Finnish European, 0.00059%; no homozygotes.

Submission:

Labcorp Genetics (formerly Invitae), Labcorp
Classification: Uncertain significance. Last evaluated: 2022-10-05. Review status: criteria provided, single submitter. Criteria: Invitae Variant Classification Sherloc (09022015). Collection method: clinical testing. Allele origin: germline.
Comment: This sequence change replaces aspartic acid, which is acidic and polar, with asparagine, which is neutral and polar, at codon 748 of the COMP protein (p.Asp748Asn). This variant is not present in population databases (gnomAD no frequency). This variant has not been reported in the literature in individuals affected with COMP-related conditions. ClinVar contains an entry for this variant (Variation ID: 1383008). Advanced modeling of protein sequence and biophysical properties (such as structural, functional, and spatial information, amino acid conservation, physicochemical variation, residue mobility, and thermodynamic stability) performed at Invitae indicates that this missense variant is not expected to disrupt COMP protein function. In summary, the available evidence is currently insufficient to determine the role of this variant in disease. Therefore, it has been classified as a Variant of Uncertain Significance.

NM_000095.3(COMP):c.2242G>A (p.Asp748Asn)

Gene: COMP (cartilage oligomeric matrix protein; minus strand). Cytogenetic location: 19p13.11.
Variant type: single nucleotide variant.
Coding change: c.2242G>A on transcript NM_000095.3 (MANE Select); coding-DNA position 2242, G replaced by A.
Protein change: p.Asp748Asn; replaces aspartic acid 748 with asparagine.
Molecular consequence: missense variant.
Genome position (GRCh38, 1-based): chr19:18,782,947, C>T on the plus strand (G>A on the coding strand, the complement: COMP is on the minus strand). VCF-style: chr19-18782947-C-T. GRCh37 (hg19) VCF-style: chr19-18893757-C-T.
Other names: short protein forms D748N.
Identifiers: ClinVar variation 1383008 (VCV001383008.6), dbSNP rs2145897380, ClinGen allele CA404874840.